The following is an entry in ClinVar:

ClinVar aggregate classification (germline): Uncertain significance (1 of 4 stars; one submission).

Conditions:
Dystonic disorder. Also called: Dystonia. Identifiers: MedGen C0013421, MONDO:0003441, HP:0001332.

Submission:

Labcorp Genetics (formerly Invitae), Labcorp
Classification: Uncertain significance for Dystonic disorder. Last evaluated: 2023-08-28. Review status: criteria provided, single submitter. Criteria: Invitae Variant Classification Sherloc (09022015). Collection method: clinical testing. Allele origin: germline.
Comment: In summary, the available evidence is currently insufficient to determine the role of this variant in disease. Therefore, it has been classified as a Variant of Uncertain Significance. Advanced modeling of protein sequence and biophysical properties (such as structural, functional, and spatial information, amino acid conservation, physicochemical variation, residue mobility, and thermodynamic stability) performed at Invitae indicates that this missense variant is not expected to disrupt GNAL protein function. This variant has not been reported in the literature in individuals affected with GNAL-related conditions. This variant is not present in population databases (gnomAD no frequency). This sequence change replaces lysine, which is basic and polar, with threonine, which is neutral and polar, at codon 87 of the GNAL protein (p.Lys87Thr).

NM_182978.4(GNAL):c.491A>C (p.Lys164Thr)

Gene: GNAL (G protein subunit alpha L; plus strand). Cytogenetic location: 18p11.21.
Variant type: single nucleotide variant.
Coding change: c.491A>C on transcript NM_182978.4 (MANE Select); coding-DNA position 491, A replaced by C.
Protein change: p.Lys164Thr; replaces lysine 164 with threonine.
Molecular consequence: missense variant.
Genome position (GRCh38, 1-based): chr18:11,753,669, A>C. VCF-style: chr18-11753669-A-C. GRCh37 (hg19) VCF-style: chr18-11753668-A-C.
Other names: c.260A>C, p.Lys87Thr (NM_001142339.3, NM_001261443.2, NM_001369387.1); short protein forms K164T, K87T.
Identifiers: ClinVar variation 2755922 (VCV002755922.3), dbSNP rs2510261478, ClinGen allele CA401926395.